The following is an entry in ClinVar:

ClinVar aggregate classification (germline): Pathogenic/Likely pathogenic. Review status: criteria provided, multiple submitters, no conflicts (2 of 4 stars). 3 submissions from 3 submitters: Pathogenic (1); Likely pathogenic (2). Last evaluated 2023-06-14.

Conditions:
3-methylcrotonyl-CoA carboxylase 1 deficiency (MCC1D). Also called: METHYLCROTONYLGLYCINURIA TYPE I; MCCD TYPE 1; MCC 1 deficiency; 3 Alpha methylcrotonylglycinuria 1. Identifiers: Orphanet 6, MedGen CN028786, MONDO:0008861, OMIM 210200.

Submissions (3):

Baylor Genetics
Classification: Likely pathogenic for 3-methylcrotonyl-CoA carboxylase 1 deficiency. Last evaluated: 2023-06-14. Review status: criteria provided, single submitter. Criteria: ACMG Guidelines, 2015. Collection method: clinical testing. Allele origin: unknown.

Fulgent Genetics
Classification: Likely pathogenic for 3-methylcrotonyl-CoA carboxylase 1 deficiency. Last evaluated: 2022-04-05. Review status: criteria provided, single submitter. Criteria: ACMG Guidelines, 2015. Collection method: clinical testing. Allele origin: unknown.

Labcorp Genetics (formerly Invitae), Labcorp
Classification: Pathogenic for 3-methylcrotonyl-CoA carboxylase 1 deficiency. Last evaluated: 2021-02-03. Review status: criteria provided, single submitter. Criteria: Invitae Variant Classification Sherloc (09022015). Collection method: clinical testing. Allele origin: germline.
Comment: For these reasons, this variant has been classified as Pathogenic. This variant has not been reported in the literature in individuals with MCCC1-related conditions. This variant is not present in population databases (ExAC no frequency). This sequence change creates a premature translational stop signal (p.Leu377Alafs*8) in the MCCC1 gene. It is expected to result in an absent or disrupted protein product. Loss-of-function variants in MCCC1 are known to be pathogenic (PMID: 11181649, 15359379, 22642865).

Literature cited by the submitters: PubMed 11181649 (cited by Labcorp Genetics (formerly Invitae), Labcorp); PubMed 15359379 (cited by Labcorp Genetics (formerly Invitae), Labcorp); PubMed 22642865 (cited by Labcorp Genetics (formerly Invitae), Labcorp).

NM_020166.5(MCCC1):c.1129_1130del (p.Leu377fs)

Gene: MCCC1 (methylcrotonyl-CoA carboxylase subunit 1; minus strand). Cytogenetic location: 3q27.1.
Variant type: Microsatellite.
Coding change: c.1129_1130del on transcript NM_020166.5 (MANE Select); coding-DNA positions 1129 to 1130, 2 bases deleted (CT; older notation c.1129_1130delCT).
Protein change: p.Leu377fs; shifts the reading frame from leucine 377.
Molecular consequence: frameshift variant. On other transcripts: non-coding transcript variant (2).
Genome position (GRCh38, 1-based): chr3:183,041,704-183,041,705, AG deleted on the plus strand (CT on the coding strand, the reverse complement: MCCC1 is on the minus strand); deleting any 2 consecutive bases within chr3:183,041,704-183,041,707 gives the same sequence; the c. name uses the placement nearest the transcript's 3' end. VCF-style (leftmost placement, unchanged base first): chr3-183041703-CAG-C. GRCh37 (hg19) VCF-style: chr3-182759491-CAG-C.
Other names: c.778_779del, p.Leu260fs (NM_001293273.2); c.802_803del, p.Leu268fs (NM_001363880.1); short protein forms L377fs, L260fs, L268fs.
Identifiers: ClinVar variation 1411435 (VCV001411435.8), dbSNP rs1714102462, ClinGen allele CA1425384083.
Genomic context (GRCh38, chr3:183,041,703, plus strand): 5'-AGGCATGAAGTTATTGCTAGGATCTTCTGCATATATTCTAGCTTCGAAGGCATGGCCCTG[CAG>C]AGTTATTTCTTCCTGGCTCAAAGGAATCTTCTCTCCTGCTGCAATCTGGCAATAGAATAG-3'